The following is an entry in ClinVar:

ClinVar aggregate classification (germline): Pathogenic (1 of 4 stars; one submission).

Conditions:
Cohen syndrome (COH1). Also called: Cutis verticis gyrata, retinitis pigmentosa, and sensorineural deafness; PEPPER SYNDROME. Identifiers: Orphanet 193, MedGen C0265223, MONDO:0008999, OMIM 216550.

Submission:

Labcorp Genetics (formerly Invitae), Labcorp
Classification: Pathogenic for Cohen syndrome. Last evaluated: 2019-09-17. Review status: criteria provided, single submitter. Criteria: Invitae Variant Classification Sherloc (09022015). Collection method: clinical testing. Allele origin: germline.
Comment: For these reasons, this variant has been classified as Pathogenic. Loss-of-function variants in VPS13B are known to be pathogenic (PMID: 15141358, 16648375, 20461111). This variant has not been reported in the literature in individuals with VPS13B-related conditions. This variant is a gross deletion of the genomic region encompassing exons 2-17 of the VPS13B gene, which includes the initiator codon. The 5' end of this event is unknown as it extends beyond the assayed region for this gene and therefore may encompass additional genes. The 3' boundary is likely confined to intron 17 of the VPS13B gene. This is expected to result in an absent or disrupted protein product.

Literature cited by the submitters: PubMed 15141358; PubMed 16648375; PubMed 20461111.

NC_000008.11:g.(?_99013769)_(99209688_?)del

Gene: VPS13B (vacuolar protein sorting 13 homolog B; plus strand). Cytogenetic location: 8q22.2.
Variant type: Deletion.
Identifiers: ClinVar variation 832081 (VCV000832081.5).